The following is an entry in ClinVar:

ClinVar aggregate classification (germline): Conflicting classifications of pathogenicity. Review status: criteria provided, conflicting classifications (1 of 4 stars). 2 submissions from 2 submitters: Uncertain significance (1); Likely benign (1). Last evaluated 2024-08-06.

Conditions:
Developmental and epileptic encephalopathy, 1 (DEE1). Also called: X-linked infantile spasms; West's syndrome; Tonic spasms with clustering, arrest of psychomotor development and hypsarrhythmia on EEG; X-Linked Infantile Spasm Syndrome; OHTAHARA SYNDROME, X-LINKED; INFANTILE SPASM SYNDROME, X-LINKED 1. Identifiers: MedGen C3463992, MONDO:0010632, OMIM 308350. Disease mechanism: loss of function.
Autosomal dominant nonsyndromic hearing loss 65. Also called: TBC1D24-Related Autosomal Dominant Nonsyndromic Hearing Loss (DFNA); Deafness, autosomal dominant 65. Identifiers: Orphanet 90635, MedGen C3892048, MONDO:0014470, OMIM 616044.
Inborn genetic diseases. Identifiers: MedGen C0950123, MeSH D030342.

Allele frequency attached by ClinVar (database versions not stated): ExAC 0.00001; gnomAD 0.00001; gnomAD exomes 0.00001; 1000 Genomes Project 0.00020; 1000 Genomes Project 30x 0.00031.

Submissions (2):

Ambry Genetics
Classification: Likely benign for Inborn genetic diseases. Last evaluated: 2024-08-06. Review status: criteria provided, single submitter. Criteria: Ambry Variant Classification Scheme 2023. Collection method: clinical testing. Allele origin: germline.

Labcorp Genetics (formerly Invitae), Labcorp
Classification: Uncertain significance for Developmental and epileptic encephalopathy, 1; Autosomal dominant nonsyndromic hearing loss 65. Last evaluated: 2022-10-13. Review status: criteria provided, single submitter. Criteria: Invitae Variant Classification Sherloc (09022015). Collection method: clinical testing. Allele origin: germline.
Comment: In summary, the available evidence is currently insufficient to determine the role of this variant in disease. Therefore, it has been classified as a Variant of Uncertain Significance. Advanced modeling of protein sequence and biophysical properties (such as structural, functional, and spatial information, amino acid conservation, physicochemical variation, residue mobility, and thermodynamic stability) performed at Invitae indicates that this missense variant is not expected to disrupt TBC1D24 protein function. This variant has not been reported in the literature in individuals affected with TBC1D24-related conditions. This variant is present in population databases (rs565299079, gnomAD 0.0009%). This sequence change replaces threonine, which is neutral and polar, with alanine, which is neutral and non-polar, at codon 271 of the TBC1D24 protein (p.Thr271Ala).

NM_001199107.2(TBC1D24):c.811A>G (p.Thr271Ala)

Gene: TBC1D24 (TBC1 domain family member 24; plus strand). Cytogenetic location: 16p13.3.
Variant type: single nucleotide variant.
Coding change: c.811A>G on transcript NM_001199107.2 (MANE Select); coding-DNA position 811, A replaced by G.
Protein change: p.Thr271Ala; replaces threonine 271 with alanine.
Molecular consequence: missense variant.
Genome position (GRCh38, 1-based): chr16:2,496,959, A>G. VCF-style: chr16-2496959-A-G. GRCh37 (hg19) VCF-style: chr16-2546960-A-G.
Other names: c.811A>G, p.Thr271Ala (NM_020705.3); short protein forms T271A.
Identifiers: ClinVar variation 1762067 (VCV001762067.8), dbSNP rs565299079, ClinGen allele CA7844075.
Genomic context (GRCh38, chr16:2,496,959, plus strand): 5'-TTCCACAAGGTGAGGGCCGGGCAGCCGCTGGAGTCGGACAGCGTGAAGCAGGACATCCGC[A>G]CGTTCGTCAGAGACATCGCGAAGACGGTGTCCCCTGAGAAGCTGCTGGAGAAAGCGTTCG-3'
Protein context (NP_001186036.1, residues 261-281): ESDSVKQDIR[Thr271Ala]FVRDIAKTVS